The following is an entry in ClinVar:

NM_001371928.1(AHDC1):c.1106C>T (p.Ser369Leu)

Gene: AHDC1 (AT-hook DNA binding motif containing 1; minus strand). Cytogenetic location: 1p36.11.
Variant type: single nucleotide variant.
Coding change: c.1106C>T on transcript NM_001371928.1 (MANE Select); coding-DNA position 1106, C replaced by T.
Protein change: p.Ser369Leu; replaces serine 369 with leucine.
Molecular consequence: missense variant.
Genome position (GRCh38, 1-based): chr1:27,551,010, G>A on the plus strand (C>T on the coding strand, the complement: AHDC1 is on the minus strand). VCF-style: chr1-27551010-G-A. GRCh37 (hg19) VCF-style: chr1-27877521-G-A.
Other names: c.1106C>T, p.Ser369Leu (NM_001029882.3); short protein forms S369L.
Identifiers: ClinVar variation 2134120 (VCV002134120.4), dbSNP rs1365252228, ClinGen allele CA339235107.
Genomic context (GRCh38, chr1:27,551,010, plus strand): 5'-CTATCAGTGCGCCGCAAGGCGTACTTGGGGTGACCCTCAGGCCCGGGGGGGCCGTGCGGT[G>A]AGCACAAGTCCAGGCGCAAGGGCTCGGCCAGTGGGCAGTGCCCCAGGGGCTGCTGGGGCT-3'
Protein context (NP_001358857.1, residues 359-379): LAEPLRLDLC[Ser369Leu]PHGPPGPEGH

ClinVar aggregate classification (germline): Uncertain significance (1 of 4 stars; one submission).

Allele frequency attached by ClinVar (database versions not stated): gnomAD exomes below 0.00001; TOPMed 0.00001.
gnomAD v4.1: 1 of 1,570,902 alleles (0.000064%); highest among the groups gnomAD compares: South Asian, 0.0012%; no homozygotes.

Submission:

Labcorp Genetics (formerly Invitae), Labcorp
Classification: Uncertain significance. Last evaluated: 2025-06-24. Review status: criteria provided, single submitter. Criteria: Invitae Variant Classification Sherloc (09022015). Collection method: clinical testing. Allele origin: germline.
Comment: This sequence change replaces serine, which is neutral and polar, with leucine, which is neutral and non-polar, at codon 369 of the AHDC1 protein (p.Ser369Leu). This variant is not present in population databases (gnomAD no frequency). This variant has not been reported in the literature in individuals affected with AHDC1-related conditions. ClinVar contains an entry for this variant (Variation ID: 2134120). An algorithm developed to predict the effect of missense changes on protein structure and function (PolyPhen-2) suggests that this variant is likely to be tolerated. In summary, the available evidence is currently insufficient to determine the role of this variant in disease. Therefore, it has been classified as a Variant of Uncertain Significance.